The following is an entry in ClinVar:

NM_182914.3(SYNE2):c.7760A>G (p.His2587Arg)

Gene: SYNE2 (spectrin repeat containing nuclear envelope protein 2; plus strand). Cytogenetic location: 14q23.2.
Variant type: single nucleotide variant.
Coding change: c.7760A>G on transcript NM_182914.3 (MANE Select); coding-DNA position 7760, A replaced by G.
Protein change: p.His2587Arg; replaces histidine 2587 with arginine.
Molecular consequence: missense variant.
Genome position (GRCh38, 1-based): chr14:64,051,673, A>G. VCF-style: chr14-64051673-A-G. GRCh37 (hg19) VCF-style: chr14-64518391-A-G.
Other names: c.7760A>G, p.His2587Arg (NM_015180.6); short protein forms H2587R.
Identifiers: ClinVar variation 2083563 (VCV002083563.4), dbSNP rs780290716, ClinGen allele CA7221013.
Genomic context (GRCh38, chr14:64,051,673, plus strand): 5'-TAGAAAAAGAGAAAGATTCTTTAGGCAACTTGAAAATCAAATGGGAGAATTTATCAAACC[A>G]CGTGACTGACATGGATAAGAAATTGTTGGAAAGCCAGATTAAGCAACTTGAACATGGTTG-3'
Protein context (NP_878918.2, residues 2577-2597): LKIKWENLSN[His2587Arg]VTDMDKKLLE

ClinVar aggregate classification (germline): Uncertain significance (1 of 4 stars; one submission).

Conditions:
Emery-Dreifuss muscular dystrophy 5, autosomal dominant (EDMD5). Also called: EMERY-DREIFUSS MUSCULAR DYSTROPHY 5. Identifiers: Orphanet 261, MedGen C2751805, MONDO:0013072, OMIM 612999.

Allele frequency attached by ClinVar (database versions not stated): ExAC 0.00001; gnomAD exomes 0.00001; TOPMed 0.00001; gnomAD 0.00005.
gnomAD v4.1: 17 of 1,614,114 alleles (0.0011%); highest among the groups gnomAD compares: Non-Finnish European, 0.0014%; no homozygotes.

Submission:

Labcorp Genetics (formerly Invitae), Labcorp
Classification: Uncertain significance for Emery-Dreifuss muscular dystrophy 5, autosomal dominant. Last evaluated: 2024-12-06. Review status: criteria provided, single submitter. Criteria: Invitae Variant Classification Sherloc (09022015). Collection method: clinical testing. Allele origin: germline.
Comment: This sequence change replaces histidine, which is basic and polar, with arginine, which is basic and polar, at codon 2587 of the SYNE2 protein (p.His2587Arg). This variant is present in population databases (rs780290716, gnomAD 0.005%). This variant has not been reported in the literature in individuals affected with SYNE2-related conditions. ClinVar contains an entry for this variant (Variation ID: 2083563). An algorithm developed to predict the effect of missense changes on protein structure and function outputs the following: PolyPhen-2: "Benign". The arginine amino acid residue is found in multiple mammalian species, which suggests that this missense change does not adversely affect protein function. In summary, the available evidence is currently insufficient to determine the role of this variant in disease. Therefore, it has been classified as a Variant of Uncertain Significance.